The following is an entry in ClinVar:

NM_000077.5(CDKN2A):c.304_305delinsTT (p.Ala102Leu)

Gene: CDKN2A (cyclin dependent kinase inhibitor 2A; minus strand). Cytogenetic location: 9p21.3.
Variant type: Indel.
Coding change: c.304_305delinsTT on transcript NM_000077.5; coding-DNA positions 304 to 305, GC replaced by TT.
Protein change: p.Ala102Leu; replaces alanine 102 with leucine.
Molecular consequence: missense variant (on NM_000077.6). On other transcripts: 3 prime UTR variant (1).
Genome position (GRCh38, 1-based): chr9:21,971,054-21,971,055, GC replaced by AA on the plus strand (GC replaced by TT on the coding strand, the reverse complement: CDKN2A is on the minus strand). VCF-style: chr9-21971054-GC-AA. GRCh37 (hg19) VCF-style: chr9-21971053-GC-AA.
Other names: c.304_305delGCinsTT, p.Ala102Leu (NM_000077.6); c.304_305delinsTT, p.Ala102Leu (NM_001195132.2); c.151_152delinsTT, p.Ala51Leu (NM_001363763.2); c.347_348delinsTT, p.Gly116Val (NM_058195.4); c.*227_*228delinsTT (NM_058197.5); short protein forms A51L, G116V, A102L.
Identifiers: ClinVar variation 1799155 (VCV001799155.2), dbSNP rs2489274746, ClinGen allele CA2580080314.

ClinVar aggregate classification (germline): Uncertain significance (1 of 4 stars; one submission).

Conditions:
Hereditary cancer-predisposing syndrome. Also called: Hereditary neoplastic syndrome; Neoplastic Syndromes, Hereditary; Tumor predisposition; Hereditary Cancer Syndrome. Identifiers: Orphanet 140162, MedGen C0027672, MeSH D009386, MONDO:0015356.

Submission:

Ambry Genetics
Classification: Uncertain significance for Hereditary cancer-predisposing syndrome. Last evaluated: 2022-01-14. Review status: criteria provided, single submitter. Criteria: Ambry Variant Classification Scheme 2023. Collection method: clinical testing. Allele origin: germline.
Comment: The c.304_305delGCinsTT variant, located in coding exon 2 of the CDKN2A gene, results from an in-frame deletion of GC and insertion of TT at nucleotide positions 304 to 305. This results in the substitution of the alanine residue for a leucine residue at codon 102, an amino acid with similar properties. This amino acid position is well conserved in available vertebrate species. Since supporting evidence is limited at this time, the clinical significance of this alteration remains unclear.